The following is an entry in ClinVar:

NM_007294.4(BRCA1):c.2706_2707dup (p.Cys903fs)

Gene: BRCA1 (BRCA1 DNA repair associated; minus strand). Cytogenetic location: 17q21.31.
Variant type: Duplication.
Coding change: c.2706_2707dup on transcript NM_007294.4 (MANE Select); coding-DNA positions 2706 to 2707, 2 bases duplicated (AT; older notation c.2706_2707dupAT).
Protein change: p.Cys903fs; shifts the reading frame from cysteine 903.
Molecular consequence: frameshift variant. On other transcripts: intron variant (137).
Genome position (GRCh38, 1-based): chr17:43,092,824-43,092,825, AT duplicated on the plus strand (AT on the coding strand, the reverse complement: BRCA1 is on the minus strand). VCF-style (leftmost placement, unchanged base first): chr17-43092823-C-CAT. GRCh37 (hg19) VCF-style: chr17-41244840-C-CAT.
Other names: 2826insAT; c.2706_2707dupAT (NM_007294.3); c.2583_2584dup, p.Cys862fs (NM_001407683.1, NM_001407863.1, NM_001407919.1 and 19 more transcripts); c.2706_2707dup, p.Cys903fs (NM_001407684.1, NM_001407854.1, NM_001407858.1 and 30 more transcripts); c.2580_2581dup, p.Cys861fs (NM_001407685.1, NM_001407686.1, NM_001407687.1 and 11 more transcripts); c.2565_2566dup, p.Cys856fs (NM_001407692.1, NM_001407694.1, NM_001407695.1 and 29 more transcripts); c.2562_2563dup, p.Cys855fs (NM_001407740.1, NM_001407741.1, NM_001407742.1 and 20 more transcripts); c.2493_2494dup, p.Cys832fs (NM_001407853.1, NM_001407894.1, NM_001407895.1 and 9 more transcripts); and 43 more; short protein forms C856fs, C903fs, C832fs, C835fs, C877fs, C792fs, C833fs, C836fs.
Identifiers: ClinVar variation 37483 (VCV000037483.31), dbSNP rs80357717, ClinGen allele CA001783.

ClinVar aggregate classification (germline): Pathogenic. Review status: reviewed by expert panel (3 of 4 stars). 16 submissions from 16 submitters: Pathogenic (1). 15 of the submissions do not count toward it. Last evaluated 2016-09-08.

Conditions:
Inherited breast cancer and ovarian cancer.
Hereditary cancer-predisposing syndrome. Also called: Tumor predisposition; Neoplastic Syndromes, Hereditary; Hereditary Cancer Syndrome; Hereditary neoplastic syndrome. Identifiers: Orphanet 140162, MedGen C0027672, MeSH D009386, MONDO:0015356.
Hereditary breast ovarian cancer syndrome. Also called: Hereditary breast and ovarian cancer syndrome (HBOC); Hereditary breast and ovarian cancer syndrome; Hereditary breast and ovarian cancer; Hereditary breast and/or ovarian cancer syndrome; Breast and ovarian cancer; BRCA1- and BRCA2-Associated Hereditary Breast and Ovarian Cancer. Identifiers: Orphanet 145, MedGen C0677776, MeSH D061325, MONDO:0003582. Disease mechanism: loss of function.
Breast-ovarian cancer, familial, susceptibility to, 1 (BROVCA1). Also called: OVARIAN CANCER, SUSCEPTIBILITY TO; BRCA1 Hereditary Breast and Ovarian Cancer. Identifiers: Orphanet 145, MedGen C2676676, MONDO:0011450, OMIM 604370. Disease mechanism: loss of function.

Allele frequency attached by ClinVar (database versions not stated): gnomAD exomes below 0.00001 and 0.00001; gnomAD 0.00001; TOPMed 0.00001.

Submissions 1 to 11 of 16:

Evidence-based Network for the Interpretation of Germline Mutant Alleles (ENIGMA)
Classification: Pathogenic for Breast-ovarian cancer, familial, susceptibility to, 1. Last evaluated: 2016-09-08. Review status: reviewed by expert panel. Criteria: ENIGMA BRCA1/2 Classification Criteria (2015). Collection method: curation. Allele origin: germline.
Comment: Variant allele predicted to encode a truncated non-functional protein.

Genomics and Molecular Medicine Service, East Genomic Laboratory Hub, NHS Genomic Medicine Service
Classification: Pathogenic for Inherited breast cancer and ovarian cancer. Last evaluated: 2026-06-03. Review status: criteria provided, single submitter. Criteria: ACGS Best Practice Guidelines for Variant Classification in Rare Disease 2020. Collection method: clinical testing. Allele origin: germline. Affected: yes. Not counted in ClinVar's aggregate classification.
Comment: PVS1,PM2_Supporting,PM5_Strong

Ambry Genetics
Classification: Pathogenic for Hereditary cancer-predisposing syndrome. Last evaluated: 2026-04-24. Review status: criteria provided, single submitter. Criteria: Ambry Variant Classification Scheme 2023. Collection method: clinical testing. Allele origin: germline. Not counted in ClinVar's aggregate classification.
Comment: The c.2706_2707dupAT (p.C903Yfs*98) variant, located in exon 10 (coding exon 9) of the BRCA1 gene, consists of a duplication of AT at position 2706, causing a translational frameshift with a predicted alternate stop codon after 98 amino acids. This variant is expected to result in loss of function by premature protein truncation or nonsense-mediated mRNA decay. Based on data from gnomAD, this allele has an overall frequency of 0.001% (2/250830) total alleles studied. The highest observed frequency was 0.002% (2/113274) of European (non-Finnish) alleles. Based on the available evidence, this alteration is classified as pathogenic.

Labcorp Genetics (formerly Invitae), Labcorp
Classification: Pathogenic for Hereditary breast ovarian cancer syndrome. Last evaluated: 2025-11-12. Review status: criteria provided, single submitter. Criteria: Invitae Variant Classification Sherloc (09022015). Collection method: clinical testing. Allele origin: germline. Not counted in ClinVar's aggregate classification.
Comment: This sequence change creates a premature translational stop signal (p.Cys903Tyrfs*98) in the BRCA1 gene. It is expected to result in an absent or disrupted protein product. Loss-of-function variants in BRCA1 are known to be pathogenic (PMID: 20104584). This variant is present in population databases (rs80357717, gnomAD 0.002%). This variant has not been reported in the literature in individuals affected with BRCA1-related conditions. ClinVar contains an entry for this variant (Variation ID: 37483). For these reasons, this variant has been classified as Pathogenic.

Color Diagnostics, LLC DBA Color Health
Classification: Pathogenic for Hereditary cancer-predisposing syndrome. Last evaluated: 2025-05-31. Review status: criteria provided, single submitter. Criteria: ACMG Guidelines, 2015. Collection method: clinical testing. Allele origin: germline. Not counted in ClinVar's aggregate classification.
Comment: This variant inserts 2 nucleotides in exon 10 of the BRCA1 gene, creating a frameshift and premature translation stop signal. This variant is expected to result in an absent or non-functional protein product. A multifactorial analysis has reported a likelihood ratio for pathogenicity based on personal and family history of 5.56 from log(LR)=0.7451 for 1 carrier (PMID: 31853058).This variant has been identified in 2/250830 chromosomes in the general population by the Genome Aggregation Database (gnomAD). Loss of BRCA1 function is a known mechanism of disease. Based on the available evidence, this variant is classified as Pathogenic.

Revvity Omics, Revvity
Classification: Pathogenic. Last evaluated: 2024-04-23. Review status: criteria provided, single submitter. Criteria: ACMG Guidelines, 2015. Collection method: clinical testing. Allele origin: germline. Not counted in ClinVar's aggregate classification.

GeneDx
Classification: Pathogenic. Last evaluated: 2024-03-06. Review status: criteria provided, single submitter. Criteria: GeneDx Variant Classification Process June 2021. Collection method: clinical testing. Allele origin: germline. Affected: yes. Not counted in ClinVar's aggregate classification.
Comment: Frameshift variant predicted to result in protein truncation or nonsense mediated decay in a gene for which loss of function is a known mechanism of disease; Not observed at significant frequency in large population cohorts (gnomAD); Truncating variants in this gene are considered pathogenic by a well-established clinical consortium and/or database; Also known as 2825insAT, 2825_2826insAT, 2825_2826dupAT; Observed in an individual with a paraganglioma in the published literature (PMID: 29625052); This variant is associated with the following publications: (PMID: 28152038, 29922827, 29625052, 31447099, 30720243)

Baylor Genetics
Classification: Pathogenic for Breast-ovarian cancer, familial, susceptibility to, 1. Last evaluated: 2023-10-30. Review status: criteria provided, single submitter. Criteria: ACMG Guidelines, 2015. Collection method: clinical testing. Allele origin: unknown. Not counted in ClinVar's aggregate classification.

Quest Diagnostics Nichols Institute San Juan Capistrano
Classification: Pathogenic. Last evaluated: 2022-12-23. Review status: criteria provided, single submitter. Criteria: Quest Diagnostics criteria. Collection method: clinical testing. Allele origin: unknown. Not counted in ClinVar's aggregate classification.
Comment: This frameshift variant alters the translational reading frame of the BRCA1 mRNA and causes the premature termination of BRCA1 protein synthesis. The frequency of this variant in the general population, 0.000018 (2/113274 chromosomes), is consistent with pathogenicity. In the published literature, the variant has been reported in an individual with breast and/or ovarian cancer (PMID: 31447099 (2019)), as well as in an individual with a paraganglioma (PMID: 29625052 (2018)). Based on the available information, this variant is classified as pathogenic.

Laboratory for Molecular Medicine, Mass General Brigham Personalized Medicine
Classification: Pathogenic for Hereditary breast ovarian cancer syndrome. Last evaluated: 2021-07-15. Review status: criteria provided, single submitter. Criteria: ACMG Guidelines, 2015. Collection method: clinical testing. Allele origin: germline. Not counted in ClinVar's aggregate classification.
Comment: The p.Cys903TyrfsX98 variant in BRCA1 has been reported in at least 2 individuals with hereditary breast and ovarian cancer (HBOC; Breast Cancer Information Core (BIC) database:, Rady Children's Hospital: ClinVar SCV000996213.1). This variant has also been identified in 0.001% (1/68030) of European chromosomes by gnomAD (v.3.1). This variant is predicted to cause a frameshift, which alters the protein’s amino acid sequence beginning at position 903 and leads to a premature termination codon 98 amino acids downstream. This alteration is then predicted to lead to a truncated or absent protein. Heterozygous loss of function of the BRCA1 gene is an established disease mechanism for HBOC. In summary, although additional studies are required to fully establish its clinical significance, this variant meets criteria to be classified as pathogenic for autosomal dominant HBOC. ACMG/AMP criteria applied: PS4_Supporting, PM2_supporting, PVS1.

Sema4
Classification: Pathogenic for Hereditary cancer-predisposing syndrome. Last evaluated: 2021-04-23. Review status: criteria provided, single submitter. Criteria: Sema4 Curation Guidelines. Collection method: curation. Allele origin: germline. Not counted in ClinVar's aggregate classification.
Comment: The BRCA1 c.2706_2707dupAT (p.C903YfsX98) variant has been reported in heterozygosity in at least one male with paraganglioma (PMID: 29625052) as well as other individuals of unknown age and phenotype (PMID: 28152038, 31447099). This variant causes a frameshift at amino acid 903 that results in premature termination 98 amino acids downstream. At this location, this is predicted to cause nonsense-mediated decay and result in an absent protein (loss of function). Loss of function variants in BRCA1 or BRCA2 are known to be pathogenic (PMID: 29446198). This variant was observed in 2/113274 chromosomes in the European (non-Finnish) population according to the Genome Aggregation Database (PMID: 32461654). This variant has been reported in ClinVar (Variation ID: 37483). Based on the current evidence available, this variant is interpreted as pathogenic.